The following is an entry in ClinVar:

ClinVar aggregate classification (germline): Pathogenic. Review status: criteria provided, multiple submitters, no conflicts (2 of 4 stars). 2 submissions from 2 submitters: Pathogenic (2). Last evaluated 2026-07-01.

Submissions (2):

CeGaT Center for Human Genetics Tuebingen
Classification: Pathogenic. Last evaluated: 2026-07-01. Review status: criteria provided, single submitter. Criteria: CeGaT Center For Human Genetics Tuebingen Variant Classification Criteria Version 2. Collection method: clinical testing. Allele origin: germline. Affected: yes. Observed: 1 variant allele.
Comment: SETBP1: PVS1, PM2, PS4:Supporting

GeneDx
Classification: Pathogenic. Last evaluated: 2025-04-07. Review status: criteria provided, single submitter. Criteria: GeneDx Variant Classification Process June 2021. Collection method: clinical testing. Allele origin: germline. Affected: yes.
Comment: Nonsense variant predicted to result in protein truncation or nonsense mediated decay in a gene for which loss of function is a known mechanism of disease; Not observed at significant frequency in large population cohorts (gnomAD); This variant is associated with the following publications: (PMID: 39587513)

NM_015559.3(SETBP1):c.1843C>T (p.Arg615Ter)

Gene: SETBP1 (SET binding protein 1; plus strand). Cytogenetic location: 18q12.3.
Variant type: single nucleotide variant.
Coding change: c.1843C>T on transcript NM_015559.3 (MANE Select); coding-DNA position 1843, C replaced by T.
Protein change: p.Arg615Ter; replaces arginine 615 with a stop codon.
Molecular consequence: nonsense.
Genome position (GRCh38, 1-based): chr18:44,951,183, C>T. VCF-style: chr18-44951183-C-T. GRCh37 (hg19) VCF-style: chr18-42531148-C-T.
Other names: c.1843C>T, p.Arg615Ter (NM_001379141.1, NM_001379142.1, NM_001410862.1); short protein forms R615*.
Identifiers: ClinVar variation 4282455 (VCV004282455.2).